The following is an entry in ClinVar:

ClinVar aggregate classification (germline): Uncertain significance (1 of 4 stars; one submission).

Conditions:
Inborn genetic diseases. Identifiers: MedGen C0950123, MeSH D030342.

Submission:

Ambry Genetics
Classification: Uncertain significance for Inborn genetic diseases. Last evaluated: 2026-03-14. Review status: criteria provided, single submitter. Criteria: Ambry Variant Classification Scheme 2023. Collection method: clinical testing. Allele origin: germline.
Comment: The p.S146N variant (also known as c.437G>A), located in coding exon 3 of the MECOM gene, results from a G to A substitution at nucleotide position 437. The serine at codon 146 is replaced by asparagine, an amino acid with highly similar properties. This amino acid position is conserved. In addition, this alteration is predicted to be tolerated by in silico analysis. Based on the available evidence, the clinical significance of this variant remains unclear.

NM_004991.4(MECOM):c.437G>A (p.Ser146Asn)

Gene: MECOM (MDS1 and EVI1 complex locus; minus strand). Cytogenetic location: 3q26.2.
Variant type: single nucleotide variant.
Coding change: c.437G>A on transcript NM_004991.4 (MANE Select); coding-DNA position 437, G replaced by A.
Protein change: p.Ser146Asn; replaces serine 146 with asparagine.
Molecular consequence: missense variant. On other transcripts: 5 prime UTR variant (12).
Genome position (GRCh38, 1-based): chr3:169,143,771, C>T on the plus strand (G>A on the coding strand, the complement: MECOM is on the minus strand). VCF-style: chr3-169143771-C-T. GRCh37 (hg19) VCF-style: chr3-168861559-C-T.
Other names: c.-128G>A (NM_001366468.2, NM_001366469.2, NM_001366470.2 and 9 more transcripts); c.437G>A, p.Ser146Asn (NM_001366473.2, NM_001366466.2); c.65G>A, p.Ser22Asn (NM_001105077.4); short protein forms S22N, S146N.
Identifiers: ClinVar variation 4826732 (VCV004826732.1).